The following is an entry in ClinVar:

NM_016366.3(CABP2):c.646C>T (p.Arg216Ter)

Gene: CABP2 (calcium binding protein 2; minus strand). Cytogenetic location: 11q13.2.
Variant type: single nucleotide variant.
Coding change: c.646C>T on transcript NM_016366.3 (MANE Select); coding-DNA position 646, C replaced by T.
Protein change: p.Arg216Ter; replaces arginine 216 with a stop codon.
Molecular consequence: nonsense.
Genome position (GRCh38, 1-based): chr11:67,519,156, G>A on the plus strand (C>T on the coding strand, the complement: CABP2 is on the minus strand). VCF-style: chr11-67519156-G-A. GRCh37 (hg19) VCF-style: chr11-67286627-G-A.
Other names: c.664C>T, p.Arg222Ter (NM_001318496.2); short protein forms R216*, R222*.
Identifiers: ClinVar variation 1969125 (VCV001969125.5), dbSNP rs774401191, ClinGen allele CA6142344.

ClinVar aggregate classification (germline): Uncertain significance (1 of 4 stars; one submission).

Allele frequency attached by ClinVar (database versions not stated): TOPMed below 0.00001; ExAC 0.00001; gnomAD 0.00001; gnomAD exomes 0.00001.

Submission:

Labcorp Genetics (formerly Invitae), Labcorp
Classification: Uncertain significance. Last evaluated: 2022-10-05. Review status: criteria provided, single submitter. Criteria: Invitae Variant Classification Sherloc (09022015). Collection method: clinical testing. Allele origin: germline.
Comment: In summary, the available evidence is currently insufficient to determine the role of this variant in disease. Therefore, it has been classified as a Variant of Uncertain Significance. Experimental studies and prediction algorithms are not available or were not evaluated, and the functional significance of this variant is currently unknown. This variant has not been reported in the literature in individuals affected with CABP2-related conditions. This variant is present in population databases (rs774401191, gnomAD 0.0009%). This sequence change creates a premature translational stop signal (p.Arg216*) in the CABP2 gene. While this is not anticipated to result in nonsense mediated decay, it is expected to disrupt the last 5 amino acid(s) of the CABP2 protein.